The following is an entry in ClinVar:

NM_021076.4(NEFH):c.1595C>T (p.Ser532Phe)

Gene: NEFH (neurofilament heavy chain; plus strand). Cytogenetic location: 22q12.2.
Variant type: single nucleotide variant.
Coding change: c.1595C>T on transcript NM_021076.4 (MANE Select); coding-DNA position 1595, C replaced by T.
Protein change: p.Ser532Phe; replaces serine 532 with phenylalanine.
Molecular consequence: missense variant.
Genome position (GRCh38, 1-based): chr22:29,489,235, C>T. VCF-style: chr22-29489235-C-T. GRCh37 (hg19) VCF-style: chr22-29885224-C-T.
Other names: short protein forms S532F.
Identifiers: ClinVar variation 3005829 (VCV003005829.3), dbSNP rs1229065794, ClinGen allele CA411130944.

ClinVar aggregate classification (germline): Uncertain significance (1 of 4 stars; one submission).

Allele frequency attached by ClinVar (database versions not stated): gnomAD exomes below 0.00001; TOPMed below 0.00001; gnomAD 0.00001.
gnomAD v4.1: 7 of 1,613,960 alleles (0.00043%); highest among the groups gnomAD compares: African/African-American, 0.0027%; no homozygotes.

Submission:

Labcorp Genetics (formerly Invitae), Labcorp
Classification: Uncertain significance. Last evaluated: 2023-11-24. Review status: criteria provided, single submitter. Criteria: Invitae Variant Classification Sherloc (09022015). Collection method: clinical testing. Allele origin: germline.
Comment: This sequence change replaces serine, which is neutral and polar, with phenylalanine, which is neutral and non-polar, at codon 532 of the NEFH protein (p.Ser532Phe). This variant is present in population databases (no rsID available, gnomAD 0.01%). This variant has not been reported in the literature in individuals affected with NEFH-related conditions. Advanced modeling of protein sequence and biophysical properties (such as structural, functional, and spatial information, amino acid conservation, physicochemical variation, residue mobility, and thermodynamic stability) performed at Invitae indicates that this missense variant is not expected to disrupt NEFH protein function with a negative predictive value of 95%. In summary, the available evidence is currently insufficient to determine the role of this variant in disease. Therefore, it has been classified as a Variant of Uncertain Significance.